The following is an entry in ClinVar:

ClinVar aggregate classification (germline): Conflicting classifications of pathogenicity. Review status: criteria provided, conflicting classifications (1 of 4 stars). 7 submissions from 7 submitters: Uncertain significance (3); Benign (1); Likely benign (2). 1 of the submissions does not count toward it. Last evaluated 2025-01-22.

Conditions:
Cardiac arrhythmia. Also called: Cardiac rhythm disease; Arrhythmia. Identifiers: MedGen C0003811, MONDO:0007263, HP:0011675.
Cardiovascular phenotype. Identifiers: MedGen CN230736.
Long QT syndrome (LQTS). Identifiers: MedGen C0023976, MeSH D008133, MONDO:0002442. Disease mechanism: loss of function. Inheritance: Various modes of inheritance.

Allele frequency attached by ClinVar (database versions not stated): 1000 Genomes Project 30x 0.00031; gnomAD exomes 0.00011; TOPMed 0.00021; gnomAD 0.00023 and 0.00021.
gnomAD v4.1: 144 of 1,525,476 alleles (0.0094%); highest among the groups gnomAD compares: African/African-American, 0.059%; no homozygotes.

Submissions (7):

Labcorp Genetics (formerly Invitae), Labcorp
Classification: Uncertain significance for Long QT syndrome. Last evaluated: 2025-01-22. Review status: criteria provided, single submitter. Criteria: Invitae Variant Classification Sherloc (09022015). Collection method: clinical testing. Allele origin: germline.
Comment: This sequence change replaces proline, which is neutral and non-polar, with leucine, which is neutral and non-polar, at codon 910 of the KCNH2 protein (p.Pro910Leu). This variant is present in population databases (rs199473436, gnomAD 0.07%), and has an allele count higher than expected for a pathogenic variant. This missense change has been observed in individual(s) with inherited arrhythmias (PMID: 25417810). ClinVar contains an entry for this variant (Variation ID: 67430). An algorithm developed to predict the effect of missense changes on protein structure and function (PolyPhen-2) suggests that this variant¬†is likely to be tolerated. In summary, the available evidence is currently insufficient to determine the role of this variant in disease. Therefore, it has been classified as a Variant of Uncertain Significance.

ARUP Laboratories, Molecular Genetics and Genomics, ARUP Laboratories
Classification: Uncertain significance. Last evaluated: 2024-07-25. Review status: criteria provided, single submitter. Criteria: ARUP Molecular Germline Variant Investigation Process 2024. Collection method: clinical testing. Allele origin: germline.
Comment: The KCNH2 c.2729C>T; p.Pro910Leu variant (rs199473436; ClinVar Variation ID: 67430) has not been reported in the literature in association with long or short QT syndrome, but has been observed in multiple control cohorts (Ackerman 2003, Giudicessi 2012, Kapa 2009). This variant is found in the African/African-American population with an allele frequency of 0.07% (10/14842 alleles) in the Genome Aggregation Database (v2.1.1). Computational analyses are uncertain whether this variant is neutral or deleterious (REVEL: 0.424). Due to limited information, the clinical significance of this variant is uncertain at this time. References: Ackerman MJ et al. Ethnic differences in cardiac potassium channel variants: implications for genetic susceptibility to sudden cardiac death and genetic testing for congenital long QT syndrome. Mayo Clin Proc. 2003 Dec;78(12):1479-87. PMID: 14661677. Giudicessi JR et al. Phylogenetic and physicochemical analyses enhance the classification of rare nonsynonymous single nucleotide variants in type 1 and 2 long-QT syndrome. Circ Cardiovasc Genet. 2012 Oct 1;5(5):519-28. PMID: 22949429. Kapa S et al. Genetic testing for long-QT syndrome: distinguishing pathogenic mutations from benign variants. Circulation. 2009 Nov 3;120(18):1752-60. PMID: 19841300.

Ambry Genetics
Classification: Benign for Cardiovascular phenotype. Last evaluated: 2022-05-04. Review status: criteria provided, single submitter. Criteria: Ambry Variant Classification Scheme 2023. Collection method: clinical testing. Allele origin: germline.

Women's Health and Genetics/Laboratory Corporation of America, LabCorp
Classification: Likely benign. Last evaluated: 2021-09-13. Review status: criteria provided, single submitter. Criteria: LabCorp Variant Classification Summary - May 2015. Collection method: clinical testing. Allele origin: germline.
Comment: Variant summary: KCNH2 c.2729C>T (p.Pro910Leu) results in a non-conservative amino acid change in the encoded protein sequence. Three of five in-silico tools predict a benign effect of the variant on protein function. The variant allele was found at a frequency of 0.00011 in 153726 control chromosomes, predominantly at a frequency of 0.00067 within the African or African-American subpopulation in the gnomAD database. The observed variant frequency within African or African-American control individuals in the gnomAD database is approximately 7 fold of the estimated maximal expected allele frequency for a pathogenic variant in KCNH2 causing Arrhythmia phenotype (0.0001), strongly suggesting that the variant is a benign polymorphism found primarily in populations of African or African-American origin. c.2729C>T has been reported in the literature in at least one individual affected with sickle cell anemia as well as in one healthy control (Ackerman_2003, Wonkam_2020). These reports do not provide unequivocal conclusions about association of the variant with Arrhythmia. To our knowledge, no experimental evidence demonstrating an impact on protein function has been reported. Four ClinVar submitters (evaluation after 2014) cite the variant as likely benign (n=1) and uncertain significance (n=3). Based on the evidence outlined above, the variant was classified as likely benign.

GeneDx
Classification: Uncertain significance. Last evaluated: 2021-06-10. Review status: criteria provided, single submitter. Criteria: GeneDx Variant Classification Process June 2021. Collection method: clinical testing. Allele origin: germline. Affected: yes.
Comment: Variant observed in at least one African American individual from published control cohorts (Ackerman et al., 2003; Kapa et al., 2009; Giudicessi et al., 2012); Reported in ClinVar as a variant of uncertain significance but additional evidence is not available (ClinVar Variant ID# 67430; Landrum et al., 2016); In silico analysis supports that this missense variant does not alter protein structure/function; This variant is associated with the following publications: (PMID: 14661677, 31493592, 26582918, 27535533, 22581653, 19841300, 22949429)

Color Diagnostics, LLC DBA Color Health
Classification: Likely benign for Cardiac arrhythmia. Last evaluated: 2020-08-18. Review status: criteria provided, single submitter. Criteria: ACMG Guidelines, 2015. Collection method: clinical testing. Allele origin: germline.

Cardiovascular Biomedical Research Unit, Royal Brompton & Harefield NHS Foundation Trust
No classification provided. Review status: no classification provided. Collection method: literature only. Allele origin: germline. Not counted in ClinVar's aggregate classification.
Comment: This variant has been reported in the following publications (PMID:14661677;PMID:19841300).

Literature cited by the submitters: PubMed 25417810 (cited by Labcorp Genetics (formerly Invitae), Labcorp and Women's Health and Genetics/Laboratory Corporation of America, LabCorp); PubMed 14661677 (cited by 3 submitters); PubMed 19841300 (cited by 3 submitters); PubMed 22949429 (cited by Ambry Genetics and Women's Health and Genetics/Laboratory Corporation of America, LabCorp); PubMed 22947121 (cited by Women's Health and Genetics/Laboratory Corporation of America, LabCorp); PubMed 25649125 (cited by Women's Health and Genetics/Laboratory Corporation of America, LabCorp); PubMed 31493592 (cited by Women's Health and Genetics/Laboratory Corporation of America, LabCorp); PubMed 22581653 (cited by Cardiovascular Biomedical Research Unit, Royal Brompton & Harefield NHS Foundation Trust).

NM_000238.4(KCNH2):c.2729C>T (p.Pro910Leu)

Gene: KCNH2 (potassium voltage-gated channel subfamily H member 2; minus strand). Cytogenetic location: 7q36.1.
Variant type: single nucleotide variant.
Coding change: c.2729C>T on transcript NM_000238.4 (MANE Select); coding-DNA position 2729, C replaced by T.
Protein change: p.Pro910Leu; replaces proline 910 with leucine.
Molecular consequence: missense variant.
Genome position (GRCh38, 1-based): chr7:150,947,842, G>A on the plus strand (C>T on the coding strand, the complement: KCNH2 is on the minus strand). VCF-style: chr7-150947842-G-A. GRCh37 (hg19) VCF-style: chr7-150644930-G-A.
Other names: c.2729C>T (LRG_288t1); c.1709C>T, p.Pro570Leu (NM_172057.3); short protein forms P570L, P910L.
Identifiers: ClinVar variation 67430 (VCV000067430.21), dbSNP rs199473436, ClinGen allele CA007231.